The following is an entry in ClinVar:

ClinVar aggregate classification (germline): Uncertain significance. Review status: criteria provided, single submitter (1 of 4 stars). 2 submissions from 2 submitters: Uncertain significance (1). 1 of the submissions does not count toward it. Last evaluated 2026-01-27.

Conditions:
Deficiency of galactokinase. Also called: GALACTOSEMIA II; Galactokinase deficiency with cataracts. Identifiers: Orphanet 352, Orphanet 79237, MedGen C0268155, MONDO:0009255, OMIM 230200.

Allele frequency attached by ClinVar (database versions not stated): gnomAD exomes 0.00001; TOPMed 0.00001.

Submissions (2):

Women's Health and Genetics/Laboratory Corporation of America, LabCorp
Classification: Uncertain significance. Last evaluated: 2026-01-27. Review status: criteria provided, single submitter. Criteria: LabCorp Variant Classification Summary - May 2015. Collection method: clinical testing. Allele origin: germline.
Comment: Variant summary: GALK1 c.821G>A (p.Gly274Asp) results in a non-conservative amino acid change in the encoded protein sequence. Algorithms developed to predict the effect of missense changes on protein structure and function are either unavailable or do not agree on the potential impact of this missense change. The variant allele was found at a frequency of 1.4e-05 in 221408 control chromosomes. The available data on variant occurrences in the general population are insufficient to allow any conclusion about variant significance. To our knowledge, c.821G>A has not been observed in individual(s) affected with Deficiency Of Galactokinase and no experimental evidence demonstrating an impact on protein function has been reported. The following publications have been ascertained in the context of this evaluation (PMID: 28253266, 29893426, 12942049). ClinVar contains an entry for this variant (Variation ID: 552552). Based on the evidence outlined above, the variant was classified as uncertain significance.

Counsyl
Classification: Uncertain significance for Deficiency of galactokinase. Last evaluated: 2017-06-15. Review status: no assertion criteria provided. Collection method: clinical testing. Allele origin: unknown. Not counted in ClinVar's aggregate classification.

Literature cited by the submitters: PubMed 29893426 (cited by Women's Health and Genetics/Laboratory Corporation of America, LabCorp); PubMed 12942049 (cited by Women's Health and Genetics/Laboratory Corporation of America, LabCorp and Counsyl); PubMed 28253266 (cited by Women's Health and Genetics/Laboratory Corporation of America, LabCorp).

NM_000154.2(GALK1):c.821G>A (p.Gly274Asp)

Gene: GALK1 (galactokinase 1; minus strand). Cytogenetic location: 17q25.1.
Variant type: single nucleotide variant.
Coding change: c.821G>A on transcript NM_000154.2 (MANE Select); coding-DNA position 821, G replaced by A.
Protein change: p.Gly274Asp; replaces glycine 274 with aspartic acid.
Molecular consequence: missense variant.
Genome position (GRCh38, 1-based): chr17:75,758,572, C>T on the plus strand (G>A on the coding strand, the complement: GALK1 is on the minus strand). VCF-style: chr17-75758572-C-T. GRCh37 (hg19) VCF-style: chr17-73754653-C-T.
Other names: short protein forms G274D.
Identifiers: ClinVar variation 552552 (VCV000552552.3), dbSNP rs959842362, ClinGen allele CA294087240.